The following is an entry in ClinVar:

NM_024678.6(NARS2):c.1165-8_1165-7del

Gene: NARS2 (asparaginyl-tRNA synthetase 2, mitochondrial; minus strand). Cytogenetic location: 11q14.1.
Variant type: Deletion.
Coding change: c.1165-8_1165-7del on transcript NM_024678.6 (MANE Select); 8 bases into the intron before coding-DNA position 1165 through 7 bases into the intron before coding-DNA position 1165, 2 bases deleted (TT; older notation c.1165-8_1165-7delTT).
Molecular consequence: intron variant.
Genome position (GRCh38, 1-based): chr11:78,443,765-78,443,766, AA deleted on the plus strand (TT on the coding strand, the reverse complement: NARS2 is on the minus strand); deleting any 2 consecutive bases within chr11:78,443,765-78,443,776 gives the same sequence; the c. name uses the placement nearest the transcript's 3' end. VCF-style (leftmost placement, unchanged base first): chr11-78443764-GAA-G. GRCh37 (hg19) VCF-style: chr11-78154810-GAA-G.
Other names: NC_000011.9:g.78154821_78154822del; c.484-8_484-7del (NM_001243251.2); c.1165-18_1165-17del (NM_024678.6).
Identifiers: ClinVar variation 3040851 (VCV003040851.3), dbSNP rs764521503, ClinGen allele CA6205563.
Genomic context (GRCh38, chr11:78,443,764, plus strand): 5'-GGCCTCCTCCAAAGAGTTCCCCAACTCCAGGAACCAGAAGATCAACAGCAGCAACCTAAG[GAA>G]AAAAAAAAAATTATTAGCATTATATTTTCAGGTGATTCCAACAGTCAGTTTCTGAAGCAA-3'

ClinVar aggregate classification (germline): Likely benign (0 of 4 stars; one submission).

Conditions:
NARS2-related disorder. Also called: NARS2-related condition.

Submissions (3):

PreventionGenetics, part of Exact Sciences
Classification: Likely benign for NARS2-related condition. Last evaluated: 2019-09-17. Review status: no assertion criteria provided. Collection method: clinical testing. Allele origin: germline.
Comment: This variant is classified as likely benign based on ACMG/AMP sequence variant interpretation guidelines (Richards et al. 2015 PMID: 25741868, with internal and published modifications).

Dr. Peter K. Rogan Lab, Western University
No classification provided (evidence only). Condition: Gastric cancer. Review status: no classification provided. Collection method: in vitro. Allele origin: not applicable. Functional consequence: retained intron. Not counted in ClinVar's aggregate classification.

Dr. Peter K. Rogan Lab, Western University
No classification provided (evidence only). Condition: Uterine corpus endometrial carcinoma. Review status: no classification provided. Collection method: in vitro. Allele origin: not applicable. Functional consequence: retained intron. Not counted in ClinVar's aggregate classification.